The following is an entry in ClinVar:

NM_004656.4(BAP1):c.586_588delinsGGT (p.Trp196Gly)

Gene: BAP1 (BRCA1 associated deubiquitinase 1; minus strand). Cytogenetic location: 3p21.1.
Variant type: Indel.
Coding change: c.586_588delinsGGT on transcript NM_004656.4 (MANE Select); coding-DNA positions 586 to 588, TGG replaced by GGT.
Protein change: p.Trp196Gly; replaces tryptophan 196 with glycine.
Molecular consequence: missense variant.
Genome position (GRCh38, 1-based): chr3:52,406,900-52,406,902, CCA replaced by ACC on the plus strand (TGG replaced by GGT on the coding strand, the reverse complement: BAP1 is on the minus strand). VCF-style: chr3-52406900-CCA-ACC. GRCh37 (hg19) VCF-style: chr3-52440916-CCA-ACC.
Other names: c.586_588delinsGGT, p.Trp196Gly (NM_001410772.1); short protein forms W196G.
Identifiers: ClinVar variation 2682100 (VCV002682100.1), dbSNP rs2471347512, ClinGen allele CA2697556696.

ClinVar aggregate classification (germline): Uncertain significance (1 of 4 stars; one submission).

Submission:

Quest Diagnostics Nichols Institute San Juan Capistrano
Classification: Uncertain significance. Last evaluated: 2023-03-31. Review status: criteria provided, single submitter. Criteria: Quest Diagnostics criteria. Collection method: clinical testing. Allele origin: unknown.
Comment: This variant has not been reported in the published literature. It also has not been reported in large, multi-ethnic general populations. Analysis of this variant using bioinformatics tools for the prediction of the effect of amino acid changes on protein structure and function yielded conflicting predictions that this variant is benign or damaging. Based on the available information, we are unable to determine the clinical significance of this variant.